The following is an entry in ClinVar:

NM_001035.3(RYR2):c.3091C>G (p.Arg1031Gly)

Gene: RYR2 (ryanodine receptor 2; plus strand). Cytogenetic location: 1q43.
Variant type: single nucleotide variant.
Coding change: c.3091C>G on transcript NM_001035.3 (MANE Select); coding-DNA position 3091, C replaced by G.
Protein change: p.Arg1031Gly; replaces arginine 1031 with glycine.
Molecular consequence: missense variant.
Genome position (GRCh38, 1-based): chr1:237,550,568, C>G. VCF-style: chr1-237550568-C-G. GRCh37 (hg19) VCF-style: chr1-237713868-C-G.
Other names: short protein forms R1031G.
Identifiers: ClinVar variation 4527476 (VCV004527476.1).

ClinVar aggregate classification (germline): Uncertain significance (1 of 4 stars; one submission).

Submission:

GeneDx
Classification: Uncertain significance. Last evaluated: 2025-04-22. Review status: criteria provided, single submitter. Criteria: GeneDx Variant Classification Process June 2021. Collection method: clinical testing. Allele origin: germline. Affected: yes.
Comment: Not observed at significant frequency in large population cohorts (gnomAD); In silico analysis supports that this missense variant has a deleterious effect on protein structure/function; Has not been previously published as pathogenic or benign to our knowledge; This variant is associated with the following publications: (PMID: 19926015)